The following is an entry in ClinVar:

NM_053025.4(MYLK):c.4137G>C (p.Lys1379Asn)

Gene: MYLK (myosin light chain kinase; minus strand). Cytogenetic location: 3q21.1.
Variant type: single nucleotide variant.
Coding change: c.4137G>C on transcript NM_053025.4 (MANE Select); coding-DNA position 4137, G replaced by C.
Protein change: p.Lys1379Asn; replaces lysine 1379 with asparagine.
Molecular consequence: missense variant.
Genome position (GRCh38, 1-based): chr3:123,657,277, C>G on the plus strand (G>C on the coding strand, the complement: MYLK is on the minus strand). VCF-style: chr3-123657277-C-G. GRCh37 (hg19) VCF-style: chr3-123376124-C-G.
Other names: c.3609G>C, p.Lys1203Asn (NM_001321309.2); c.3930G>C, p.Lys1310Asn (NM_053026.4, NM_053028.4); c.4137G>C, p.Lys1379Asn (NM_053027.4); short protein forms K1203N, K1379N, K1310N.
Identifiers: ClinVar variation 5025215 (VCV005025215.1).

ClinVar aggregate classification (germline): Uncertain significance (1 of 4 stars; one submission).

Conditions:
Familial thoracic aortic aneurysm and aortic dissection (TAAD). Also called: Thoracic aortic aneurysms and dissections. Identifiers: Orphanet 91387, MedGen C4707243, MONDO:0019625.

Submission:

Ambry Genetics
Classification: Uncertain significance for Familial thoracic aortic aneurysm and aortic dissection. Last evaluated: 2026-08-24. Review status: criteria provided, single submitter. Criteria: Ambry Variant Classification Scheme 2023. Collection method: clinical testing. Allele origin: germline.
Comment: The p.K1379N variant (also known as c.4137G>C), located in coding exon 21 of the MYLK gene, results from a G to C substitution at nucleotide position 4137. The lysine at codon 1379 is replaced by asparagine, an amino acid with similar properties. This amino acid position is conserved. In addition, this alteration is predicted to be tolerated by in silico analysis. Based on the available evidence, the clinical significance of this variant remains unclear.